The following is an entry in ClinVar:

ClinVar aggregate classification (germline): Uncertain significance (1 of 4 stars; one submission).

Submission:

Ambry Genetics
Classification: Uncertain significance. Last evaluated: 2026-04-11. Review status: criteria provided, single submitter. Criteria: Ambry Variant Classification Scheme 2023. Collection method: clinical testing. Allele origin: germline.
Comment: The p.P335L variant (also known as c.1004C>T), located in coding exon 8 of the RNF43 gene, results from a C to T substitution at nucleotide position 1004. The proline at codon 335 is replaced by leucine, an amino acid with similar properties. This amino acid position is conserved. In addition, this alteration is predicted to be tolerated by in silico analysis. Based on the available evidence, the clinical significance of this variant remains unclear.

NM_017763.6(RNF43):c.1004C>T (p.Pro335Leu)

Gene: RNF43 (ring finger protein 43; minus strand). Cytogenetic location: 17q22.
Variant type: single nucleotide variant.
Coding change: c.1004C>T on transcript NM_017763.6 (MANE Select); coding-DNA position 1004, C replaced by T.
Protein change: p.Pro335Leu; replaces proline 335 with leucine.
Molecular consequence: missense variant.
Genome position (GRCh38, 1-based): chr17:58,358,772, G>A on the plus strand (C>T on the coding strand, the complement: RNF43 is on the minus strand). VCF-style: chr17-58358772-G-A. GRCh37 (hg19) VCF-style: chr17-56436133-G-A.
Other names: c.623C>T, p.Pro208Leu (NM_001437987.1, NM_001305545.2); c.1004C>T, p.Pro335Leu (NM_001438820.1, NM_001438821.1, NM_001438822.1 and 1 more transcripts); short protein forms P208L, P335L.
Identifiers: ClinVar variation 4863396 (VCV004863396.1).